The following is an entry in ClinVar:

NM_000135.4(FANCA):c.3179C>T (p.Thr1060Ile)

Gene: FANCA (FA complementation group A; minus strand). Cytogenetic location: 16q24.3.
Variant type: single nucleotide variant.
Coding change: c.3179C>T on transcript NM_000135.4 (MANE Select); coding-DNA position 3179, C replaced by T.
Protein change: p.Thr1060Ile; replaces threonine 1060 with isoleucine.
Molecular consequence: missense variant.
Genome position (GRCh38, 1-based): chr16:89,749,790, G>A on the plus strand (C>T on the coding strand, the complement: FANCA is on the minus strand). VCF-style: chr16-89749790-G-A. GRCh37 (hg19) VCF-style: chr16-89816198-G-A.
Other names: c.3179C>T, p.Thr1060Ile (NM_001286167.3); short protein forms T1060I.
Identifiers: ClinVar variation 4809101 (VCV004809101.1).

ClinVar aggregate classification (germline): Uncertain significance (1 of 4 stars; one submission).

Conditions:
Fanconi anemia (FA). Also called: Fanconi's anemia. Identifiers: Orphanet 84, MedGen C0015625, MeSH D005199, MONDO:0019391.

Submission:

Labcorp Genetics (formerly Invitae), Labcorp
Classification: Uncertain significance for Fanconi anemia. Last evaluated: 2025-06-20. Review status: criteria provided, single submitter. Criteria: Invitae Variant Classification Sherloc (09022015). Collection method: clinical testing. Allele origin: germline.
Comment: This sequence change replaces threonine, which is neutral and polar, with isoleucine, which is neutral and non-polar, at codon 1060 of the FANCA protein (p.Thr1060Ile). This variant is not present in population databases (gnomAD no frequency). This variant has not been reported in the literature in individuals affected with FANCA-related conditions. Invitae Evidence Modeling of protein sequence and biophysical properties (such as structural, functional, and spatial information, amino acid conservation, physicochemical variation, residue mobility, and thermodynamic stability) indicates that this missense variant is not expected to disrupt FANCA protein function with a negative predictive value of 95%. In summary, the available evidence is currently insufficient to determine the role of this variant in disease. Therefore, it has been classified as a Variant of Uncertain Significance.